The following is an entry in ClinVar:

NM_000541.5(SAG):c.956G>T (p.Gly319Val)

Gene: SAG (S-antigen visual arrestin; plus strand). Cytogenetic location: 2q37.1.
Variant type: single nucleotide variant.
Coding change: c.956G>T on transcript NM_000541.5 (MANE Select); coding-DNA position 956, G replaced by T.
Protein change: p.Gly319Val; replaces glycine 319 with valine.
Molecular consequence: missense variant.
Genome position (GRCh38, 1-based): chr2:233,338,687, G>T. VCF-style: chr2-233338687-G-T. GRCh37 (hg19) VCF-style: chr2-234247333-G-T.
Other names: short protein forms G319V.
Identifiers: ClinVar variation 2030745 (VCV002030745.4), dbSNP rs932207429, ClinGen allele CA67560384.

ClinVar aggregate classification (germline): Uncertain significance (1 of 4 stars; one submission).

Submission:

Labcorp Genetics (formerly Invitae), Labcorp
Classification: Uncertain significance. Last evaluated: 2025-08-18. Review status: criteria provided, single submitter. Criteria: Invitae Variant Classification Sherloc (09022015). Collection method: clinical testing. Allele origin: germline.
Comment: This sequence change replaces glycine, which is neutral and non-polar, with valine, which is neutral and non-polar, at codon 319 of the SAG protein (p.Gly319Val). This variant is present in population databases (no rsID available, gnomAD 0.003%). This variant has not been reported in the literature in individuals affected with SAG-related conditions. ClinVar contains an entry for this variant (Variation ID: 2030745). Invitae Evidence Modeling of protein sequence and biophysical properties (such as structural, functional, and spatial information, amino acid conservation, physicochemical variation, residue mobility, and thermodynamic stability) has been performed for this missense variant. However, the output from this modeling did not meet the statistical confidence thresholds required to predict the impact of this variant on SAG protein function. In summary, the available evidence is currently insufficient to determine the role of this variant in disease. Therefore, it has been classified as a Variant of Uncertain Significance.